The following is an entry in ClinVar:

ClinVar aggregate classification (germline): Uncertain significance. Review status: criteria provided, single submitter (1 of 4 stars). 2 submissions from 2 submitters: Uncertain significance (1). 1 of the submissions does not count toward it. Last evaluated 2026-01-22.

Conditions:
Activated PI3K-delta syndrome. Identifiers: Orphanet 397596, MedGen C3714976, MONDO:0018338.
Agammaglobulinemia 7, autosomal recessive (AGM7). Also called: AGAMMAGLOBULINEMIA, AUTOSOMAL RECESSIVE, DUE TO PIK3R1 DEFECT. Identifiers: MedGen C3554689, MONDO:0014083, OMIM 615214.
Immunodeficiency 36 with lymphoproliferation. Also called: ACTIVATED PI3K-DELTA SYNDROME 2; Activated PI3K Delta Syndrome Type 2 (APDS2); Immunodeficiency 36. Identifiers: Orphanet 397596, Orphanet 693681, MedGen C4014934, MONDO:0014453, OMIM 616005.
SHORT syndrome. Also called: SHORT STATURE, HYPEREXTENSIBILITY, HERNIA, OCULAR DEPRESSION, RIEGER ANOMALY, AND TEETHING DELAY; PIK3R1-Related SHORT Syndrome; LIPODYSTROPHY, PARTIAL, WITH RIEGER ANOMALY AND SHORT STATURE. Identifiers: Orphanet 3163, MedGen C0878684, MONDO:0010026, OMIM 269880.

gnomAD v4.1: 30 of 1,583,396 alleles (0.0019%); highest among the groups gnomAD compares: Non-Finnish European, 0.0025%; no homozygotes.

Submissions (2):

Labcorp Genetics (formerly Invitae), Labcorp
Classification: Uncertain significance for SHORT syndrome; Immunodeficiency 36 with lymphoproliferation; Agammaglobulinemia 7, autosomal recessive. Last evaluated: 2026-01-22. Review status: criteria provided, single submitter. Criteria: Invitae Variant Classification Sherloc (09022015). Collection method: clinical testing. Allele origin: germline.
Comment: This sequence change replaces proline, which is neutral and non-polar, with serine, which is neutral and polar, at codon 305 of the PIK3R1 protein (p.Pro305Ser). This variant is present in population databases (rs371778244, gnomAD 0.0009%). This variant has not been reported in the literature in individuals affected with PIK3R1-related conditions. ClinVar contains an entry for this variant (Variation ID: 2932731). Invitae Evidence Modeling of protein sequence and biophysical properties (such as structural, functional, and spatial information, amino acid conservation, physicochemical variation, residue mobility, and thermodynamic stability) indicates that this missense variant is not expected to disrupt PIK3R1 protein function with a negative predictive value of 80%. In summary, the available evidence is currently insufficient to determine the role of this variant in disease. Therefore, it has been classified as a Variant of Uncertain Significance.

Rarefied Biosciences Lab
Classification: Likely benign for Activated PI3K-delta syndrome. Review status: no assertion criteria provided. Collection method: research. Allele origin: germline, not applicable. Affected: yes. Functional consequence: gain_of_function_variant. Not counted in ClinVar's aggregate classification.
Comment: The PIK3R1 c.913C>T (p.Pro305Ser) variant results in a missense substitution of proline to serine at codon 305. This residue lies outside known critical functional domains of the PIK3R1 protein, and the substitution does not significantly alter structural or functional properties. The variant is rare in the general population, with a gnomAD exome allele frequency of 0.0000203, which is consistent with a benign polymorphism. Functional immune profiling demonstrated T follicular helper (TFH) cells at 12.3% and transitional B cells at 16.8%, both within or near normal control ranges. No aberrant activation of the mTOR signaling pathway was observed, indicating intact PI3K signaling and no evidence of a gain-of-function effect. Computational predictions support a benign classification: REVEL score is 0.26 (Benign Moderate) and SIFT score is 0.074, also consistent with a benign impact. In the absence of immune dysregulation, mTOR activation, or disease association, and with support from benign computational predictions and population frequency data, PIK3R1 c.913C>T (p.Pro305Ser) is Likely Benign

Literature cited by the submitters: PubMed 31031754 (cited by Rarefied Biosciences Lab).

NM_181523.3(PIK3R1):c.913C>T (p.Pro305Ser)

Gene: PIK3R1 (phosphoinositide-3-kinase regulatory subunit 1; plus strand). Cytogenetic location: 5q13.1.
Variant type: single nucleotide variant.
Coding change: c.913C>T on transcript NM_181523.3 (MANE Select); coding-DNA position 913, C replaced by T.
Protein change: p.Pro305Ser; replaces proline 305 with serine.
Molecular consequence: missense variant.
Genome position (GRCh38, 1-based): chr5:68,281,003, C>T. VCF-style: chr5-68281003-C-T. GRCh37 (hg19) VCF-style: chr5-67576831-C-T.
Other names: short protein forms P305S.
Identifiers: ClinVar variation 2932731 (VCV002932731.5), dbSNP rs371778244, ClinGen allele CA3290165.